The following is an entry in ClinVar:

ClinVar aggregate classification (germline): Uncertain significance (1 of 4 stars; one submission).

Allele frequency attached by ClinVar (database versions not stated): gnomAD 0.00003 and 0.00004; gnomAD exomes 0.00004; ExAC 0.00005; TOPMed 0.00006; ESP Exome Variant Server 0.00008.
gnomAD v4.1: 66 of 1,613,924 alleles (0.0041%); highest among the groups gnomAD compares: Middle Eastern, 0.016%; no homozygotes.

Submission:

Labcorp Genetics (formerly Invitae), Labcorp
Classification: Uncertain significance. Last evaluated: 2025-06-12. Review status: criteria provided, single submitter. Criteria: Invitae Variant Classification Sherloc (09022015). Collection method: clinical testing. Allele origin: germline.
Comment: This sequence change replaces threonine, which is neutral and polar, with methionine, which is neutral and non-polar, at codon 614 of the NCSTN protein (p.Thr614Met). This variant is present in population databases (rs150064793, gnomAD 0.01%). This variant has not been reported in the literature in individuals affected with NCSTN-related conditions. ClinVar contains an entry for this variant (Variation ID: 1014349). An algorithm developed to predict the effect of missense changes on protein structure and function (PolyPhen-2) suggests that this variant is likely to be disruptive. In summary, the available evidence is currently insufficient to determine the role of this variant in disease. Therefore, it has been classified as a Variant of Uncertain Significance.

NM_015331.3(NCSTN):c.1841C>T (p.Thr614Met)

Gene: NCSTN (nicastrin; plus strand). Cytogenetic location: 1q23.2.
Variant type: single nucleotide variant.
Coding change: c.1841C>T on transcript NM_015331.3 (MANE Select); coding-DNA position 1841, C replaced by T.
Protein change: p.Thr614Met; replaces threonine 614 with methionine.
Molecular consequence: missense variant. On other transcripts: intron variant (1).
Genome position (GRCh38, 1-based): chr1:160,357,087, C>T. VCF-style: chr1-160357087-C-T. GRCh37 (hg19) VCF-style: chr1-160326877-C-T.
Other names: c.1781C>T, p.Thr594Met (NM_001290184.2); c.1427C>T, p.Thr476Met (NM_001290186.2); c.1794+333C>T (NM_001349729.2); short protein forms T476M, T594M, T614M.
Identifiers: ClinVar variation 1014349 (VCV001014349.8), dbSNP rs150064793, ClinGen allele CA1199122.